The following is an entry in ClinVar:

NM_001384140.1(PCDH15):c.131T>C (p.Val44Ala)

Genes: PCDH15 (protocadherin related 15; minus strand), LOC105378311 (uncharacterized LOC105378311; plus strand). Cytogenetic location: 10q21.1.
Variant type: single nucleotide variant.
Coding change: c.131T>C on transcript NM_001384140.1 (MANE Select); coding-DNA position 131, T replaced by C.
Protein change: p.Val44Ala; replaces valine 44 with alanine.
Molecular consequence: missense variant. On other transcripts: intron variant (3).
Genome position (GRCh38, 1-based): chr10:54,527,838, A>G on the plus strand (T>C on the coding strand, the complement: PCDH15 is on the minus strand). VCF-style: chr10-54527838-A-G. GRCh37 (hg19) VCF-style: chr10-56287598-A-G.
Other names: NM_001384140.1(PCDH15):c.131T>C; p.Val44Ala; c.131T>C, p.Val44Ala (NM_001354420.2, NM_001354429.2, NM_001354430.2 and 8 more transcripts); c.91+136334T>C (NM_001354404.2, NM_001142773.2, NM_001142768.2); c.146T>C, p.Val49Ala (NM_001142763.2, NM_001142769.4, NM_001142771.2); short protein forms V44A, V49A.
Identifiers: ClinVar variation 450626 (VCV000450626.14), dbSNP rs750302536, ClinGen allele CA5506792.

ClinVar aggregate classification (germline): Conflicting classifications of pathogenicity. Review status: criteria provided, conflicting classifications (1 of 4 stars). 8 submissions from 8 submitters: Pathogenic (1); Uncertain significance (6). 1 of the submissions does not count toward it. Last evaluated 2026-01-27.

Conditions:
PCDH15-related disorder. Also called: PCDH15-related disorders; PCDH15-related condition.
Autosomal recessive nonsyndromic hearing loss 23. Identifiers: Orphanet 90636, MedGen C1836027, MONDO:0012293, OMIM 609533.
Usher syndrome type 1F (USH1F). Also called: USHER SYNDROME, TYPE IF. Identifiers: Orphanet 231169, Orphanet 886, MedGen C1865885, MONDO:0011186, OMIM 602083.

Allele frequency attached by ClinVar (database versions not stated): TOPMed 0.00004; gnomAD 0.00005; gnomAD exomes 0.00005; ExAC 0.00006.
gnomAD v4.1: 73 of 1,611,712 alleles (0.0045%); highest among the groups gnomAD compares: Middle Eastern, 0.13%; no homozygotes.

Submissions (8):

PreventionGenetics, part of Exact Sciences
Classification: Uncertain significance for PCDH15-related condition. Last evaluated: 2026-01-27. Review status: criteria provided, single submitter. Criteria: ACMG Guidelines, 2015. Collection method: clinical testing. Allele origin: germline.
Comment: The PCDH15 c.131T>C variant is predicted to result in the amino acid substitution p.Val44Ala. This variant has been reported in the heterozygous state in an individual with hearing loss (reported as Val49Ala, Brownstein et al. 2020. PubMed ID: 33111345). This variant is present in 0.0066% of alleles in individuals of South Asian descent in gnomAD. At this time, the clinical significance of this variant is uncertain due to the absence of conclusive functional and genetic evidence.

Blueprint Genetics
Classification: Uncertain significance. Last evaluated: 2024-10-25. Review status: criteria provided, single submitter. Criteria: ACMG Guidelines, 2015. Collection method: clinical testing. Allele origin: germline.

Broad Center for Mendelian Genomics, Broad Institute of MIT and Harvard
Classification: Uncertain significance for Usher syndrome type 1F. Last evaluated: 2023-01-24. Review status: criteria provided, single submitter. Criteria: ACMG Guidelines, 2015. Collection method: curation. Allele origin: germline. Inheritance: Autosomal recessive inheritance.
Comment: The p.Val44Ala variant in PCDH15 has been reported in 1 individual, in the homozygous state, with Usher syndrome type 1F (PMID: 33111345), and has been identified in 0.007% (2/30514) of South Asian chromosomes by the Genome Aggregation Database (gnomAD; dbSNP ID: rs750302536). Although this variant has been seen in the general population in a heterozygous state, its frequency is low enough to be consistent with a recessive carrier frequency. This variant has also been reported in ClinVar (Variation ID#: 450626) and has been interpreted as pathogenic by Laboratory of Prof. Karen Avraham (Tel Aviv University) and as a variant of uncertain significance by Invitae, GeneDx, Natera, Inc., and Genome-Nilou Lab. Computational prediction tools, including splice predictors, and conservation analyses suggest that this variant may not impact the protein, though this information is not predictive enough to rule out pathogenicity. In summary, the clinical significance of the p.Val44Ala variant is uncertain. ACMG/AMP Criteria applied: BP4, PM3_supporting, PM2_supporting (Richards 2015).

Labcorp Genetics (formerly Invitae), Labcorp
Classification: Uncertain significance. Last evaluated: 2022-09-17. Review status: criteria provided, single submitter. Criteria: Invitae Variant Classification Sherloc (09022015). Collection method: clinical testing. Allele origin: germline.
Comment: This sequence change replaces valine, which is neutral and non-polar, with alanine, which is neutral and non-polar, at codon 44 of the PCDH15 protein (p.Val44Ala). This variant is present in population databases (rs750302536, gnomAD 0.007%). This missense change has been observed in individual(s) with autosomal recessive deafness (PMID: 33111345). This variant is also known as NM_001142769.1:c.146T>C Val49Ala. ClinVar contains an entry for this variant (Variation ID: 450626). Advanced modeling of protein sequence and biophysical properties (such as structural, functional, and spatial information, amino acid conservation, physicochemical variation, residue mobility, and thermodynamic stability) performed at Invitae indicates that this missense variant is not expected to disrupt PCDH15 protein function. In summary, the available evidence is currently insufficient to determine the role of this variant in disease. Therefore, it has been classified as a Variant of Uncertain Significance.

Genome-Nilou Lab
Classification: Uncertain significance for Usher syndrome type 1F. Last evaluated: 2021-05-18. Review status: criteria provided, single submitter. Criteria: ACMG Guidelines, 2015. Collection method: clinical testing. Allele origin: germline. Affected: no.

GeneDx
Classification: Uncertain significance. Last evaluated: 2020-04-07. Review status: criteria provided, single submitter. Criteria: GeneDx Variant Classification Process June 2021. Collection method: clinical testing. Allele origin: germline. Affected: yes.
Comment: Not observed at a significant frequency in large population cohorts (Lek et al., 2016); In silico analysis, which includes protein predictors and evolutionary conservation, supports a deleterious effect; Has not been previously published as pathogenic or benign to our knowledge; This variant is associated with the following publications: (PMID: 33111345)

Laboratory of Prof. Karen Avraham, Tel Aviv University
Classification: Pathogenic for Autosomal recessive nonsyndromic hearing loss 23. Last evaluated: 2018-05-07. Review status: criteria provided, single submitter. Criteria: ACMG Guidelines, 2015. Collection method: research. Allele origin: germline. Affected: yes.
Comment: Recessive, congenital, profound NSHL

Natera, Inc.
Classification: Uncertain significance for Usher syndrome type 1F. Last evaluated: 2020-04-15. Review status: no assertion criteria provided. Collection method: clinical testing. Allele origin: germline. Not counted in ClinVar's aggregate classification.

Literature cited by the submitters: PubMed 33111345 (cited by Labcorp Genetics (formerly Invitae), Labcorp).